The following is an entry in ClinVar:

NM_032217.5(ANKRD17):c.7300C>G (p.Arg2434Gly)

Gene: ANKRD17 (ankyrin repeat domain 17; minus strand). Cytogenetic location: 4q13.3.
Variant type: single nucleotide variant.
Coding change: c.7300C>G on transcript NM_032217.5 (MANE Select); coding-DNA position 7300, C replaced by G.
Protein change: p.Arg2434Gly; replaces arginine 2434 with glycine.
Molecular consequence: missense variant.
Genome position (GRCh38, 1-based): chr4:73,078,750, G>C on the plus strand (C>G on the coding strand, the complement: ANKRD17 is on the minus strand). VCF-style: chr4-73078750-G-C. GRCh37 (hg19) VCF-style: chr4-73944467-G-C.
Other names: c.6961C>G, p.Arg2321Gly (NM_001286771.3); c.7297C>G, p.Arg2433Gly (NM_015574.2); c.6547C>G, p.Arg2183Gly (NM_198889.3); short protein forms R2183G, R2321G, R2433G, R2434G.
Identifiers: ClinVar variation 1342987 (VCV001342987.1), dbSNP rs143161842, ClinGen allele CA357206370.

ClinVar aggregate classification (germline): Likely pathogenic (1 of 4 stars; one submission).

Conditions:
Chopra-Amiel-Gordon syndrome (CAGS). Also called: ANKRD17-Related Neurodevelopmental Syndrome. Identifiers: MedGen C5561975, MONDO:0859186, OMIM 619504.

Submission:

SIB Swiss Institute of Bioinformatics
Classification: Likely pathogenic for Chopra-Amiel-Gordon syndrome. Last evaluated: 2022-03-01. Review status: criteria provided, single submitter. Criteria: ACMG Guidelines, 2015. Collection method: curation. Allele origin: unknown.
Comment: This variant is interpreted as a likely pathogenic for Chopra-Amiel-Gordon syndrome, autosomal dominant. The following ACMG Tag(s) were applied: Absent from controls (or at extremely low frequency if recessive) in Exome Sequencing Project, 1000 Genomes Project, or Exome Aggregation Consortium (PM2); De novo (paternity and maternity confirmed) (PS2); Multiple lines of computational evidence support a deleterious effect on the gene or gene product (PP3); Missense variant in a gene that has a low rate of benign missense variation and in which missense variants are a common mechanism of disease (PP2).

Literature cited by the submitters: PubMed 33909992.